The following is an entry in ClinVar:

NM_000489.6(ATRX):c.6281C>T (p.Ser2094Leu)

Gene: ATRX (ATRX chromatin remodeler; minus strand). Cytogenetic location: Xq21.1.
Variant type: single nucleotide variant.
Coding change: c.6281C>T on transcript NM_000489.6 (MANE Select); coding-DNA position 6281, C replaced by T.
Protein change: p.Ser2094Leu; replaces serine 2094 with leucine.
Molecular consequence: missense variant.
Genome position (GRCh38, 1-based): chrX:77,574,295, G>A on the plus strand (C>T on the coding strand, the complement: ATRX is on the minus strand). VCF-style: chrX-77574295-G-A. GRCh37 (hg19) VCF-style: chrX-76829760-G-A.
Other names: c.6167C>T, p.Ser2056Leu (NM_138270.5); short protein forms S2056L, S2094L.
Identifiers: ClinVar variation 1684145 (VCV001684145.2), dbSNP rs782019900, ClinGen allele CA10457520.

ClinVar aggregate classification (germline): Uncertain significance (1 of 4 stars; one submission).

Allele frequency attached by ClinVar (database versions not stated): gnomAD exomes below 0.00001 and 0.00001; ExAC 0.00001; TOPMed 0.00001.
gnomAD v4.1: 3 of 1,207,518 alleles (0.00025%); highest among the groups gnomAD compares: Non-Finnish European, 0.00034%; no homozygotes.

Submission:

GeneDx
Classification: Uncertain significance. Last evaluated: 2021-11-15. Review status: criteria provided, single submitter. Criteria: GeneDx Variant Classification Process June 2021. Collection method: clinical testing. Allele origin: germline. Affected: yes.
Comment: Not observed at significant frequency in large population cohorts (gnomAD); In silico analysis supports that this missense variant has a deleterious effect on protein structure/function; Has not been previously published as pathogenic or benign to our knowledge